The following is an entry in ClinVar:

ClinVar aggregate classification (germline): Benign/Likely benign. Review status: criteria provided, multiple submitters, no conflicts (2 of 4 stars). 3 submissions from 3 submitters: Benign (2); Likely benign (1). Last evaluated 2025-10-05.

Conditions:
Marfan syndrome (MFS). Also called: MARFAN SYNDROME, TYPE I; FBN1-Related Marfan Syndrome; Marfan syndrome type 1; Marfan's syndrome; Marfan syndrome, classic. Identifiers: Orphanet 284963, Orphanet 558, MedGen C0024796, MONDO:0007947, OMIM 154700.
Familial thoracic aortic aneurysm and aortic dissection (TAAD). Also called: Thoracic aortic aneurysms and dissections. Identifiers: Orphanet 91387, MedGen C4707243, MONDO:0019625.

Allele frequency attached by ClinVar (database versions not stated): gnomAD below 0.00001 and 0.00003; gnomAD exomes 0.00013 and 0.00029; TOPMed below 0.00001; ExAC 0.00027; 1000 Genomes Project 0.00060.

Submissions (3):

Labcorp Genetics (formerly Invitae), Labcorp
Classification: Benign for Marfan syndrome; Familial thoracic aortic aneurysm and aortic dissection. Last evaluated: 2025-10-05. Review status: criteria provided, single submitter. Criteria: Invitae Variant Classification Sherloc (09022015). Collection method: clinical testing. Allele origin: germline.

Blueprint Genetics
Classification: Likely benign. Last evaluated: 2021-06-29. Review status: criteria provided, single submitter. Criteria: ACMG Guidelines, 2015. Collection method: clinical testing. Allele origin: germline.

Women's Health and Genetics/Laboratory Corporation of America, LabCorp
Classification: Benign. Last evaluated: 2017-02-10. Review status: criteria provided, single submitter. Criteria: LabCorp Variant Classification Summary - May 2015. Collection method: clinical testing. Allele origin: germline.
Comment: Variant summary: The FBN1 c.3337+13delT variant involves the alteration of a non-conserved intronic nucleotide. One in silico tool predicts a benign outcome for this variant. 5/5 splice prediction tools predict no significant impact on normal splicing. This variant was found in 33/121396 control chromosomes (1 homozygote) at a frequency of 0.0002718, which is approximately 2 times the estimated maximal expected allele frequency of a pathogenic FBN1 variant (0.0001125), suggesting this variant is likely a benign polymorphism. The variant of interest has not, to our knowledge, been reported in affected individuals via publications and/or reputable databases/clinical diagnostic laboratories; nor evaluated for functional impact by in vivo/vitro studies. Taken together, this variant is classified as benign.

NM_000138.5(FBN1):c.3337+13del

Gene: FBN1 (fibrillin 1; minus strand). Cytogenetic location: 15q21.1.
Variant type: Deletion.
Coding change: c.3337+13del on transcript NM_000138.5 (MANE Select); 13 bases into the intron after coding-DNA position 3337, one base deleted (T; older notation c.3337+13delT).
Molecular consequence: intron variant.
Genome position (GRCh38, 1-based): chr15:48,488,100, A deleted on the plus strand (T on the coding strand, the reverse complement: FBN1 is on the minus strand). VCF-style (leftmost placement, unchanged base first): chr15-48488099-GA-G. GRCh37 (hg19) VCF-style: chr15-48780296-GA-G.
Other names: c.3337+13delT (NM_000138.4).
Identifiers: ClinVar variation 495587 (VCV000495587.6), dbSNP rs563620440, ClinGen allele CA050333.
Genomic context (GRCh38, chr15:48,488,099, plus strand): 5'-AACATAGGCTATGAGCCATCAAAGCTTCATGGAATCCTTCTCTTTCTGTGTTGATCAAAT[GA>G]TCCCAAACTTACCCATGCAGTTCTTCATCATCATGAATCCACTTTCATAGCCTTCGTCAC-3'